The following is an entry in ClinVar:

NM_004304.5(ALK):c.433C>G (p.Leu145Val)

Gene: ALK (ALK receptor tyrosine kinase; minus strand). Cytogenetic location: 2p23.1.
Variant type: single nucleotide variant.
Coding change: c.433C>G on transcript NM_004304.5 (MANE Select); coding-DNA position 433, C replaced by G.
Protein change: p.Leu145Val; replaces leucine 145 with valine.
Molecular consequence: missense variant.
Genome position (GRCh38, 1-based): chr2:29,920,227, G>C on the plus strand (C>G on the coding strand, the complement: ALK is on the minus strand). VCF-style: chr2-29920227-G-C. GRCh37 (hg19) VCF-style: chr2-30143093-G-C.
Other names: c.433C>G (NM_004304.4); short protein forms L145V.
Identifiers: ClinVar variation 2872782 (VCV002872782.4), dbSNP rs1022616693, ClinGen allele CA346590055.

ClinVar aggregate classification (germline): Uncertain significance. Review status: criteria provided, multiple submitters, no conflicts (2 of 4 stars). 2 submissions from 2 submitters: Uncertain significance (2). Last evaluated 2025-08-04.

Conditions:
Neuroblastoma, susceptibility to, 3. Also called: ALK-Related Neuroblastic Tumor Susceptibility. Identifiers: Orphanet 635, MedGen C2751681, MONDO:0013083, OMIM 613014.
Hereditary cancer-predisposing syndrome. Also called: Hereditary Cancer Syndrome; Hereditary neoplastic syndrome; Neoplastic Syndromes, Hereditary; Tumor predisposition. Identifiers: Orphanet 140162, MedGen C0027672, MeSH D009386, MONDO:0015356.

Submissions (2):

Ambry Genetics
Classification: Uncertain significance for Hereditary cancer-predisposing syndrome. Last evaluated: 2025-08-04. Review status: criteria provided, single submitter. Criteria: Ambry Variant Classification Scheme 2023. Collection method: clinical testing. Allele origin: germline.
Comment: The p.L145V variant (also known as c.433C>G), located in coding exon 1 of the ALK gene, results from a C to G substitution at nucleotide position 433. The leucine at codon 145 is replaced by valine, an amino acid with highly similar properties. This amino acid position is conserved. In addition, this alteration is predicted to be tolerated by in silico analysis. Based on the available evidence, the clinical significance of this variant remains unclear.

Labcorp Genetics (formerly Invitae), Labcorp
Classification: Uncertain significance for Neuroblastoma, susceptibility to, 3. Last evaluated: 2023-07-19. Review status: criteria provided, single submitter. Criteria: Invitae Variant Classification Sherloc (09022015). Collection method: clinical testing. Allele origin: germline.
Comment: This sequence change replaces leucine, which is neutral and non-polar, with valine, which is neutral and non-polar, at codon 145 of the ALK protein (p.Leu145Val). This variant is not present in population databases (gnomAD no frequency). This variant has not been reported in the literature in individuals affected with ALK-related conditions. Algorithms developed to predict the effect of missense changes on protein structure and function output the following: SIFT: "Not Available"; PolyPhen-2: "Benign"; Align-GVGD: "Not Available". The valine amino acid residue is found in multiple mammalian species, which suggests that this missense change does not adversely affect protein function. In summary, the available evidence is currently insufficient to determine the role of this variant in disease. Therefore, it has been classified as a Variant of Uncertain Significance.